The following is an entry in ClinVar:

ClinVar aggregate classification (germline): Likely pathogenic (1 of 4 stars; one submission).

Conditions:
Proliferative vasculopathy and hydranencephaly-hydrocephaly syndrome. Also called: Fowler syndrome; ENCEPHALOCLASTIC PROLIFERATIVE VASCULOPATHY; HYDRANENCEPHALY, FOWLER TYPE; HYDROCEPHALY/HYDRANENCEPHALY DUE TO CEREBRAL VASCULOPATHY. Identifiers: Orphanet 221126, MedGen C1856972, MONDO:0009168, OMIM 225790.

Submission:

Juno Genomics, Hangzhou Juno Genomics, Inc
Classification: Likely pathogenic for Proliferative vasculopathy and hydranencephaly-hydrocephaly syndrome. Review status: criteria provided, single submitter. Criteria: ACMG Guidelines, 2015. Collection method: clinical testing. Allele origin: germline.
Comment: Null variant in a gene where loss of function (LOF) is a known mechanism of disease.;Absent from controls (or at extremely low frequency if recessive) in Genome Aggregation Database.

NM_017791.3(FLVCR2):c.669+1dup

Gene: FLVCR2 (FLVCR choline and putative heme transporter 2; plus strand). Cytogenetic location: 14q24.3.
Variant type: Duplication.
Coding change: c.669+1dup on transcript NM_017791.3 (MANE Select); the canonical splice donor site of the intron after coding-DNA position 669, one base duplicated (G; older notation c.669+1dupG).
Molecular consequence: splice donor variant.
Genome position (GRCh38, 1-based): chr14:75,579,642, G duplicated; the last of 2 consecutive G bases (chr14:75,579,641-75,579,642); duplicating either gives the same sequence. VCF-style (leftmost placement, unchanged base first): chr14-75579640-A-AG. GRCh37 (hg19) VCF-style: chr14-76045983-A-AG.
Identifiers: ClinVar variation 5005347 (VCV005005347.2).